The following is an entry in ClinVar:

ClinVar aggregate classification (germline): Uncertain significance. Review status: criteria provided, multiple submitters, no conflicts (2 of 4 stars). 2 submissions from 2 submitters: Uncertain significance (2). Last evaluated 2025-02-08.

Conditions:
Inborn genetic diseases. Identifiers: MedGen C0950123, MeSH D030342.
Bethlem myopathy 1A. Also called: MYOPATHY, BENIGN CONGENITAL, WITH CONTRACTURES; Bethlem Muscular Dystrophy; Bethlem myopathy 1. Identifiers: Orphanet 610, MedGen CN029274, MONDO:0024530, OMIM 158810.

Allele frequency attached by ClinVar (database versions not stated): TOPMed below 0.00001; gnomAD 0.00001; gnomAD exomes 0.00001; ExAC 0.00002.
gnomAD v4.1: 8 of 1,608,922 alleles (0.0005%); highest among the groups gnomAD compares: Non-Finnish European, 0.00068%; no homozygotes.

Submissions (2):

Ambry Genetics
Classification: Uncertain significance for Inborn genetic diseases. Last evaluated: 2025-02-08. Review status: criteria provided, single submitter. Criteria: Ambry Variant Classification Scheme 2023. Collection method: clinical testing. Allele origin: germline.

Labcorp Genetics (formerly Invitae), Labcorp
Classification: Uncertain significance for Bethlem myopathy 1A. Last evaluated: 2021-10-07. Review status: criteria provided, single submitter. Criteria: Invitae Variant Classification Sherloc (09022015). Collection method: clinical testing. Allele origin: germline.
Comment: In summary, the available evidence is currently insufficient to determine the role of this variant in disease. Therefore, it has been classified as a Variant of Uncertain Significance. This sequence change replaces glycine with cysteine at codon 184 of the COL6A2 protein (p.Gly184Cys). The glycine residue is moderately conserved and there is a large physicochemical difference between glycine and cysteine. This variant is present in population databases (rs766523982, ExAC 0.003%). This variant has not been reported in the literature in individuals affected with COL6A2-related conditions. Algorithms developed to predict the effect of missense changes on protein structure and function are either unavailable or do not agree on the potential impact of this missense change (SIFT: "Deleterious"; PolyPhen-2: "Probably Damaging"; Align-GVGD: "Class C0").

NM_001849.4(COL6A2):c.550G>T (p.Gly184Cys)

Gene: COL6A2 (collagen type VI alpha 2 chain; plus strand). Cytogenetic location: 21q22.3.
Variant type: single nucleotide variant.
Coding change: c.550G>T on transcript NM_001849.4 (MANE Select); coding-DNA position 550, G replaced by T.
Protein change: p.Gly184Cys; replaces glycine 184 with cysteine.
Molecular consequence: missense variant.
Genome position (GRCh38, 1-based): chr21:46,112,413, G>T. VCF-style: chr21-46112413-G-T. GRCh37 (hg19) VCF-style: chr21-47532327-G-T.
Other names: c.550G>T (NM_001849.3); c.550G>T, p.Gly184Cys (NM_058174.3, NM_058175.3); short protein forms G184C.
Identifiers: ClinVar variation 1354993 (VCV001354993.7), dbSNP rs766523982, ClinGen allele CA10071334.
Genomic context (GRCh38, chr21:46,112,413, plus strand): 5'-CACGTCACCGGCAGCCCCTGCGGGGGCATCAAGCTGCAGGCCGAGCGGGCCCGCGAGGAG[G>T]GCATCCGGCTCTTCGCCGTGGCCCCCAACCAGAACCTGAAGGAGCAGGGCCTGCGGGACA-3'
Protein context (NP_001840.3, residues 174-194): KLQAERAREE[Gly184Cys]IRLFAVAPNQ